The following is an entry in ClinVar:

NM_005751.5(AKAP9):c.5422A>C (p.Ile1808Leu)

Gene: AKAP9 (A-kinase anchoring protein 9; plus strand). Cytogenetic location: 7q21.2.
Variant type: single nucleotide variant.
Coding change: c.5422A>C on transcript NM_005751.5 (MANE Select); coding-DNA position 5422, A replaced by C.
Protein change: p.Ile1808Leu; replaces isoleucine 1808 with leucine.
Molecular consequence: missense variant.
Genome position (GRCh38, 1-based): chr7:92,052,779, A>C. VCF-style: chr7-92052779-A-C. GRCh37 (hg19) VCF-style: chr7-91682093-A-C.
Other names: c.5422A>C, p.Ile1808Leu (NM_147185.3); short protein forms I1808L.
Identifiers: ClinVar variation 1747447 (VCV001747447.2), dbSNP rs1229060941, ClinGen allele CA368131035.

ClinVar aggregate classification (germline): Uncertain significance (1 of 4 stars; one submission).

Conditions:
Cardiovascular phenotype. Identifiers: MedGen CN230736.

Submission:

Ambry Genetics
Classification: Uncertain significance for Cardiovascular phenotype. Last evaluated: 2021-10-11. Review status: criteria provided, single submitter. Criteria: Ambry Variant Classification Scheme 2023. Collection method: clinical testing. Allele origin: germline.
Comment: The p.I1808L variant (also known as c.5422A>C), located in coding exon 22 of the AKAP9 gene, results from an A to C substitution at nucleotide position 5422. The isoleucine at codon 1808 is replaced by leucine, an amino acid with highly similar properties. This amino acid position is conserved. In addition, this alteration is predicted to be tolerated by in silico analysis. Since supporting evidence is limited at this time, the clinical significance of this alteration remains unclear.